The following is an entry in ClinVar:

ClinVar aggregate classification (germline): Uncertain significance. Review status: criteria provided, multiple submitters, no conflicts (2 of 4 stars). 3 submissions from 3 submitters: Uncertain significance (3). Last evaluated 2024-09-09.

Conditions:
Ehlers-Danlos syndrome, type 4 (EDSVASC). Also called: Ehlers-Danlos Syndrome Type IV; Ehlers-Danlos syndrome vascular type; Ehlers Danlos syndrome, ecchymotic type; Ehlers Danlos syndrome, arterial type; Ehlers Danlos syndrome, Sack-Barabas type. Identifiers: Orphanet 286, MedGen C0268338, MONDO:0017314, OMIM 130050.
Familial thoracic aortic aneurysm and aortic dissection (TAAD). Also called: Thoracic aortic aneurysms and dissections. Identifiers: Orphanet 91387, MedGen C4707243, MONDO:0019625.

Allele frequency attached by ClinVar (database versions not stated): ExAC 0.00002.
gnomAD v4.1: 2 of 1,614,174 alleles (0.00012%); highest among the groups gnomAD compares: East Asian, 0.0022%; no homozygotes.

Submissions (3):

Labcorp Genetics (formerly Invitae), Labcorp
Classification: Uncertain significance for Ehlers-Danlos syndrome, type 4. Last evaluated: 2024-09-09. Review status: criteria provided, single submitter. Criteria: Invitae Variant Classification Sherloc (09022015). Collection method: clinical testing. Allele origin: germline.
Comment: This sequence change replaces isoleucine, which is neutral and non-polar, with valine, which is neutral and non-polar, at codon 1290 of the COL3A1 protein (p.Ile1290Val). This variant is present in population databases (rs757734757, gnomAD 0.006%). This variant has not been reported in the literature in individuals affected with COL3A1-related conditions. Invitae Evidence Modeling of protein sequence and biophysical properties (such as structural, functional, and spatial information, amino acid conservation, physicochemical variation, residue mobility, and thermodynamic stability) indicates that this missense variant is not expected to disrupt COL3A1 protein function with a negative predictive value of 95%. In summary, the available evidence is currently insufficient to determine the role of this variant in disease. Therefore, it has been classified as a Variant of Uncertain Significance.

Color Diagnostics, LLC DBA Color Health
Classification: Uncertain significance for Familial thoracic aortic aneurysm and aortic dissection. Last evaluated: 2024-03-06. Review status: criteria provided, single submitter. Criteria: ACMG Guidelines, 2015. Collection method: clinical testing. Allele origin: germline.
Comment: This missense variant replaces isoleucine with valine at codon 1290 of the COL3A1 protein. Computational prediction suggests that this variant may not impact protein structure and function (internally defined REVEL score threshold <= 0.5, PMID: 27666373). To our knowledge, functional studies have not been reported for this variant. This variant has not been reported in individuals affected with cardiovascular disorders in the literature. This variant has been identified in 2/251390 chromosomes in the general population by the Genome Aggregation Database (gnomAD). The available evidence is insufficient to determine the role of this variant in disease conclusively. Therefore, this variant is classified as a Variant of Uncertain Significance.

All of Us Research Program, National Institutes of Health
Classification: Uncertain significance for Ehlers-Danlos syndrome, type 4. Last evaluated: 2023-03-09. Review status: criteria provided, single submitter. Criteria: ACMG Guidelines, 2015. Collection method: clinical testing. Allele origin: germline. Inheritance: Autosomal dominant inheritance. Observed: 1 variant allele, 1 heterozygote.
Comment: This missense variant replaces isoleucine with valine at codon 1290 of the COL3A1 protein. Computational prediction suggests that this variant may not impact protein structure and function (internally defined REVEL score threshold <= 0.5, PMID: 27666373). To our knowledge, functional studies have not been reported for this variant. This variant has not been reported in individuals affected with cardiovascular disorders in the literature. This variant has been identified in 2/251390 chromosomes in the general population by the Genome Aggregation Database (gnomAD). The available evidence is insufficient to determine the role of this variant in disease conclusively. Therefore, this variant is classified as a Variant of Uncertain Significance.

This study involves interpretation of variants in research participants for the purpose of population health screening. Participant phenotype was not available at the time of variant classification. Additional details can be found in publication PMID: 35346344, PMCID: PMC8962531

NM_000090.4(COL3A1):c.3868A>G (p.Ile1290Val)

Gene: COL3A1 (collagen type III alpha 1 chain; plus strand). Cytogenetic location: 2q32.2.
Variant type: single nucleotide variant.
Coding change: c.3868A>G on transcript NM_000090.4 (MANE Select); coding-DNA position 3868, A replaced by G.
Protein change: p.Ile1290Val; replaces isoleucine 1290 with valine.
Molecular consequence: missense variant.
Genome position (GRCh38, 1-based): chr2:189,010,222, A>G. VCF-style: chr2-189010222-A-G. GRCh37 (hg19) VCF-style: chr2-189874948-A-G.
Other names: short protein forms I1290V.
Identifiers: ClinVar variation 2775159 (VCV002775159.5), dbSNP rs757734757, ClinGen allele CA076334.